The following is an entry in ClinVar:

NM_005475.3(SH2B3):c.1010C>T (p.Ser337Phe)

Gene: SH2B3 (SH2B adaptor protein 3; plus strand). Cytogenetic location: 12q24.12.
Variant type: single nucleotide variant.
Coding change: c.1010C>T on transcript NM_005475.3 (MANE Select); coding-DNA position 1010, C replaced by T.
Protein change: p.Ser337Phe; replaces serine 337 with phenylalanine.
Molecular consequence: missense variant.
Genome position (GRCh38, 1-based): chr12:111,447,208, C>T. VCF-style: chr12-111447208-C-T. GRCh37 (hg19) VCF-style: chr12-111885012-C-T.
Other names: c.404C>T, p.Ser135Phe (NM_001291424.1); short protein forms S135F, S337F.
Identifiers: ClinVar variation 3953528 (VCV003953528.1).
Genomic context (GRCh38, chr12:111,447,208, plus strand): 5'-TGCATATTCCCTCAGCCCTAGAGCCTAGCACGTCCAGCTCCCCAAGGGGCAGCACAGATT[C>T]CCTTAACCAAGGTGGGTAAACCAATAGCTAGGCCATTGTCTTCTGGGTACGCTGGAACCC-3'
Protein context (NP_005466.1, residues 327-347): TSSSPRGSTD[Ser337Phe]LNQGASPGGL

ClinVar aggregate classification (germline): Uncertain significance (1 of 4 stars; one submission).

Conditions:
Inborn genetic diseases. Identifiers: MedGen C0950123, MeSH D030342.

gnomAD v4.1: 5 of 1,613,082 alleles (0.00031%); highest among the groups gnomAD compares: South Asian, 0.0055%; 1 homozygote.

Submission:

Ambry Genetics
Classification: Uncertain significance for Inborn genetic diseases. Last evaluated: 2025-05-24. Review status: criteria provided, single submitter. Criteria: Ambry Variant Classification Scheme 2023. Collection method: clinical testing. Allele origin: germline.
Comment: The p.S337F variant (also known as c.1010C>T), located in coding exon 4 of the SH2B3 gene, results from a C to T substitution at nucleotide position 1010. The serine at codon 337 is replaced by phenylalanine, an amino acid with highly dissimilar properties. This amino acid position is conserved. In addition, this alteration is predicted to be tolerated by in silico analysis. Based on the available evidence, the clinical significance of this variant remains unclear.